The following is an entry in ClinVar:

NM_006214.4(PHYH):c.1010A>G (p.Asn337Ser)

Gene: PHYH (phytanoyl-CoA 2-hydroxylase; minus strand). Cytogenetic location: 10p13.
Variant type: single nucleotide variant.
Coding change: c.1010A>G on transcript NM_006214.4 (MANE Select); coding-DNA position 1010, A replaced by G.
Protein change: p.Asn337Ser; replaces asparagine 337 with serine.
Molecular consequence: missense variant.
Genome position (GRCh38, 1-based): chr10:13,278,308, T>C on the plus strand (A>G on the coding strand, the complement: PHYH is on the minus strand). VCF-style: chr10-13278308-T-C. GRCh37 (hg19) VCF-style: chr10-13320308-T-C.
Other names: c.710A>G, p.Asn237Ser (NM_001037537.2, NM_001323080.2); c.1016A>G, p.Asn339Ser (NM_001323082.2); c.746A>G, p.Asn249Ser (NM_001323083.2); c.716A>G, p.Asn239Ser (NM_001323084.2); short protein forms N337S, N239S, N249S, N339S, N237S.
Identifiers: ClinVar variation 1475761 (VCV001475761.5), dbSNP rs1269704659, ClinGen allele CA376050293.
Genomic context (GRCh38, chr10:13,278,308, plus strand): 5'-ACATTTCGTTTGGTTTTGGTTTTCTGTTGAAAGAGTTATAGCAGATGGCTATTTCAAAGA[T>C]TGGTTCTTTCTCCTTTCACAAGTCGAGCTCGAAACATCCAAATATCCTGGAAATAATATC-3'
Protein context (NP_006205.1, residues 327-338): RARLVKGERT[Asn337Ser]L

ClinVar aggregate classification (germline): Uncertain significance (1 of 4 stars; one submission).

Allele frequency attached by ClinVar (database versions not stated): gnomAD exomes below 0.00001; TOPMed below 0.00001; gnomAD 0.00001.
gnomAD v4.1: 5 of 1,609,734 alleles (0.00031%); highest among the groups gnomAD compares: African/African-American, 0.004%; no homozygotes.

Submission:

Labcorp Genetics (formerly Invitae), Labcorp
Classification: Uncertain significance. Last evaluated: 2021-12-02. Review status: criteria provided, single submitter. Criteria: Invitae Variant Classification Sherloc (09022015). Collection method: clinical testing. Allele origin: germline.
Comment: This sequence change replaces asparagine, which is neutral and polar, with serine, which is neutral and polar, at codon 337 of the PHYH protein (p.Asn337Ser). This variant is not present in population databases (gnomAD no frequency). This variant has not been reported in the literature in individuals affected with PHYH-related conditions. Algorithms developed to predict the effect of missense changes on protein structure and function output the following: SIFT: "Tolerated"; PolyPhen-2: "Benign"; Align-GVGD: "Class C0". The serine amino acid residue is found in multiple mammalian species, which suggests that this missense change does not adversely affect protein function. In summary, the available evidence is currently insufficient to determine the role of this variant in disease. Therefore, it has been classified as a Variant of Uncertain Significance.